The following is an entry in ClinVar:

ClinVar aggregate classification (germline): Uncertain significance. Review status: criteria provided, multiple submitters, no conflicts (2 of 4 stars). 2 submissions from 2 submitters: Uncertain significance (2). Last evaluated 2025-08-27.

Conditions:
Multiple mitochondrial dysfunctions syndrome 3 (MMDS3). Identifiers: Orphanet 363424, MedGen C3809165, MONDO:0014132, OMIM 615330.
Hereditary spastic paraplegia 74. Also called: Spastic paraplegia 74, autosomal recessive. Identifiers: Orphanet 468661, MedGen C5568837, MONDO:0014644, OMIM 616451.
Inborn genetic diseases. Identifiers: MedGen C0950123, MeSH D030342.

Allele frequency attached by ClinVar (database versions not stated): gnomAD exomes 0.00004; gnomAD 0.00001; ExAC 0.00002.
gnomAD v4.1: 26 of 1,610,470 alleles (0.0016%); highest among the groups gnomAD compares: East Asian, 0.058%; no homozygotes.

Submissions (2):

Ambry Genetics
Classification: Uncertain significance for Inborn genetic diseases. Last evaluated: 2025-08-27. Review status: criteria provided, single submitter. Criteria: Ambry Variant Classification Scheme 2023. Collection method: clinical testing. Allele origin: germline.

Labcorp Genetics (formerly Invitae), Labcorp
Classification: Uncertain significance for Multiple mitochondrial dysfunctions syndrome 3; Hereditary spastic paraplegia 74. Last evaluated: 2024-10-29. Review status: criteria provided, single submitter. Criteria: Invitae Variant Classification Sherloc (09022015). Collection method: clinical testing. Allele origin: germline.
Comment: This sequence change replaces serine, which is neutral and polar, with glycine, which is neutral and non-polar, at codon 165 of the IBA57 protein (p.Ser165Gly). This variant is present in population databases (rs781137419, gnomAD 0.02%). This variant has not been reported in the literature in individuals affected with IBA57-related conditions. ClinVar contains an entry for this variant (Variation ID: 2037054). Invitae Evidence Modeling of protein sequence and biophysical properties (such as structural, functional, and spatial information, amino acid conservation, physicochemical variation, residue mobility, and thermodynamic stability) indicates that this missense variant is not expected to disrupt IBA57 protein function with a negative predictive value of 80%. In summary, the available evidence is currently insufficient to determine the role of this variant in disease. Therefore, it has been classified as a Variant of Uncertain Significance.

NM_001010867.4(IBA57):c.493A>G (p.Ser165Gly)

Gene: IBA57 (iron-sulfur cluster assembly factor IBA57; plus strand). Cytogenetic location: 1q42.13.
Variant type: single nucleotide variant.
Coding change: c.493A>G on transcript NM_001010867.4 (MANE Select); coding-DNA position 493, A replaced by G.
Protein change: p.Ser165Gly; replaces serine 165 with glycine.
Molecular consequence: missense variant. On other transcripts: 5 prime UTR variant (1).
Genome position (GRCh38, 1-based): chr1:228,174,843, A>G. VCF-style: chr1-228174843-A-G. GRCh37 (hg19) VCF-style: chr1-228362544-A-G.
Other names: c.-87A>G (NM_001310327.2); c.493A>G (NM_001010867.2); short protein forms S165G.
Identifiers: ClinVar variation 2037054 (VCV002037054.5), dbSNP rs781137419, ClinGen allele CA1431169.